The following is an entry in ClinVar:

NM_014946.4(SPAST):c.870+283C>T

Gene: SPAST (spastin; plus strand). Cytogenetic location: 2p22.3.
Variant type: single nucleotide variant.
Coding change: c.870+283C>T on transcript NM_014946.4 (MANE Select); 283 bases into the intron after coding-DNA position 870, C replaced by T.
Molecular consequence: intron variant.
Genome position (GRCh38, 1-based): chr2:32,115,108, C>T. VCF-style: chr2-32115108-C-T. GRCh37 (hg19) VCF-style: chr2-32340177-C-T.
Other names: c.774+283C>T (NM_199436.2, NM_001377959.1); c.867+283C>T (NM_001363823.2); c.771+283C>T (NM_001363875.2).
Identifiers: ClinVar variation 671073 (VCV000671073.2), dbSNP rs35245684, ClinGen allele CA11062519.

ClinVar aggregate classification (germline): Benign. Review status: criteria provided, multiple submitters, no conflicts (2 of 4 stars). 2 submissions from 2 submitters: Benign (2). Last evaluated 2018-06-14.

Allele frequency attached by ClinVar (database versions not stated): 1000 Genomes Project 30x 0.09322; 1000 Genomes Project 0.09445; TOPMed 0.09926.
gnomAD v4.1: 14,950 of 151,956 alleles (9.8%); highest among the groups gnomAD compares: Middle Eastern, 20%; 796 homozygotes.

Submissions (2):

GeneDx
Classification: Benign. Last evaluated: 2018-06-14. Review status: criteria provided, single submitter. Criteria: GeneDx Variant Classification (06012015). Collection method: clinical testing. Allele origin: germline. Affected: yes.
Comment: This variant is considered likely benign or benign based on one or more of the following criteria: it is a conservative change, it occurs at a poorly conserved position in the protein, it is predicted to be benign by multiple in silico algorithms, and/or has population frequency not consistent with disease.

Breakthrough Genomics
Classification: Benign. Review status: criteria provided, single submitter. Criteria: ACMG Guidelines, 2015. Collection method: not provided. Allele origin: germline. Inheritance: Autosomal dominant inheritance. Affected: yes.